The following is an entry in ClinVar:

ClinVar aggregate classification (germline): Uncertain significance (1 of 4 stars; one submission).

Conditions:
Hereditary cancer-predisposing syndrome. Also called: Tumor predisposition; Hereditary Cancer Syndrome; Neoplastic Syndromes, Hereditary; Hereditary neoplastic syndrome. Identifiers: Orphanet 140162, MedGen C0027672, MeSH D009386, MONDO:0015356.

gnomAD v4.1: 1 of 1,611,636 alleles (0.000062%); highest among the groups gnomAD compares: African/African-American, 0.0013%; no homozygotes.

Submission:

Color Diagnostics, LLC DBA Color Health
Classification: Uncertain significance for Hereditary cancer-predisposing syndrome. Last evaluated: 2025-12-15. Review status: criteria provided, single submitter. Criteria: ACMG Guidelines, 2015. Collection method: clinical testing. Allele origin: germline.
Comment: This missense variant replaces serine with threonine at codon 123 of the PMS2 protein. Computational prediction suggests that this variant may not impact protein structure and function. To our knowledge, functional studies have not been reported for this variant. This variant has not been reported in individuals affected with PMS2-related disorders in the literature. This variant has been identified in 1/1611636 chromosomes in the general population by the Genome Aggregation Database (gnomAD). The available evidence is insufficient to determine the role of this variant in disease conclusively. Therefore, this variant is classified as a Variant of Uncertain Significance.

NM_000535.7(PMS2):c.367T>A (p.Ser123Thr)

Gene: PMS2 (PMS1 homolog 2, mismatch repair system component; minus strand). Cytogenetic location: 7p22.1.
Variant type: single nucleotide variant.
Coding change: c.367T>A on transcript NM_000535.7 (MANE Select); coding-DNA position 367, T replaced by A.
Protein change: p.Ser123Thr; replaces serine 123 with threonine.
Molecular consequence: missense variant. On other transcripts: 5 prime UTR variant (29), non-coding transcript variant (1), intron variant (1).
Genome position (GRCh38, 1-based): chr7:6,002,623, A>T on the plus strand (T>A on the coding strand, the complement: PMS2 is on the minus strand). VCF-style: chr7-6002623-A-T. GRCh37 (hg19) VCF-style: chr7-6042254-A-T.
Other names: c.-39T>A (NM_001322003.2, NM_001322004.2, NM_001322005.2 and 24 more transcripts); c.367T>A, p.Ser123Thr (NM_001322006.2, NM_001322014.2, NM_001406869.1 and 8 more transcripts); c.49T>A, p.Ser17Thr (NM_001322007.2, NM_001322008.2, NM_001406876.1 and 4 more transcripts); c.-518T>A (NM_001322011.2, NM_001322012.2); c.58T>A, p.Ser20Thr (NM_001322015.2, NM_001406875.1, NM_001406877.1 and 6 more transcripts); c.553T>A, p.Ser185Thr (NM_001406866.1); c.391T>A, p.Ser131Thr (NM_001406868.1); c.250+1349T>A (NM_001406885.1); short protein forms S123T, S131T, S17T, S185T, S20T.
Identifiers: ClinVar variation 4756357 (VCV004756357.1).
Genomic context (GRCh38, chr7:6,002,623, plus strand): 5'-TTTTCCCATTGTGATCAAACATCAGTCGAGTTCCAACCTTCGCCGATGCGTGGCAGGTAG[A>T]AATGGTGACATCGCTGTGAGAGAATACCAGGCATGGTGTGTTCAGTGAGAGACCCATGAT-3'
Protein context (NP_000526.2, residues 113-133): SLCALSDVTI[Ser123Thr]TCHASAKVGT